The following is an entry in ClinVar:

NM_032043.3(BRIP1):c.123T>C (p.His41=)

Gene: BRIP1 (BRCA1 interacting DNA helicase 1; minus strand). Cytogenetic location: 17q23.2.
Variant type: single nucleotide variant.
Coding change: c.123T>C on transcript NM_032043.3 (MANE Select); coding-DNA position 123, T replaced by C.
Protein change: p.His41=; no amino-acid change (histidine 41 retained).
Molecular consequence: synonymous variant.
Genome position (GRCh38, 1-based): chr17:61,859,878, A>G on the plus strand (T>C on the coding strand, the complement: BRIP1 is on the minus strand). VCF-style: chr17-61859878-A-G. GRCh37 (hg19) VCF-style: chr17-59937239-A-G.
Identifiers: ClinVar variation 1758060 (VCV001758060.6), dbSNP rs2545472969, ClinGen allele CA501151718.

ClinVar aggregate classification (germline): Benign/Likely benign. Review status: criteria provided, multiple submitters, no conflicts (2 of 4 stars). 3 submissions from 3 submitters: Benign (1); Likely benign (2). Last evaluated 2024-08-09.

Conditions:
Familial cancer of breast. Also called: BREAST CANCER, FAMILIAL; Hereditary breast cancer; hereditary breast carcinoma. Identifiers: Orphanet 227535, MedGen C0346153, MONDO:0016419, OMIM 114480. Disease mechanism: loss of function.
Fanconi anemia complementation group J. Also called: BRIP1-Related Fanconi Anemia. Identifiers: Orphanet 84, MedGen C1836860, MONDO:0012187, OMIM 609054.
Hereditary cancer-predisposing syndrome. Also called: Neoplastic Syndromes, Hereditary; Tumor predisposition; Hereditary neoplastic syndrome; Hereditary Cancer Syndrome. Identifiers: Orphanet 140162, MedGen C0027672, MeSH D009386, MONDO:0015356.

Submissions (3):

Myriad Genetics, Inc.
Classification: Benign for Familial cancer of breast. Last evaluated: 2024-08-09. Review status: criteria provided, single submitter. Criteria: Myriad Autosomal Dominant, Autosomal Recessive and X-Linked Classification Criteria (2023). Collection method: clinical testing. Allele origin: unknown.
Comment: This variant is considered benign. This variant is a silent/synonymous amino acid change and it is not expected to impact splicing.

Labcorp Genetics (formerly Invitae), Labcorp
Classification: Likely benign for Familial cancer of breast; Fanconi anemia complementation group J. Last evaluated: 2023-09-24. Review status: criteria provided, single submitter. Criteria: Invitae Variant Classification Sherloc (09022015). Collection method: clinical testing. Allele origin: germline.

Ambry Genetics
Classification: Likely benign for Hereditary cancer-predisposing syndrome. Last evaluated: 2021-10-18. Review status: criteria provided, single submitter. Criteria: Ambry Variant Classification Scheme 2023. Collection method: clinical testing. Allele origin: germline.